The following is an entry in ClinVar:

ClinVar aggregate classification (germline): Uncertain significance. Review status: criteria provided, multiple submitters, no conflicts (2 of 4 stars). 2 submissions from 2 submitters: Uncertain significance (2). Last evaluated 2025-07-02.

Allele frequency attached by ClinVar (database versions not stated): gnomAD 0.00001; gnomAD exomes 0.00001 and 0.00003; TOPMed 0.00001; ExAC 0.00003.
gnomAD v4.1: 10 of 1,614,070 alleles (0.00062%); highest among the groups gnomAD compares: Non-Finnish European, 0.00076%; no homozygotes.

Submissions (2):

Ambry Genetics
Classification: Uncertain significance. Last evaluated: 2025-07-02. Review status: criteria provided, single submitter. Criteria: Ambry Variant Classification Scheme 2023. Collection method: clinical testing. Allele origin: germline.

Labcorp Genetics (formerly Invitae), Labcorp
Classification: Uncertain significance. Last evaluated: 2025-03-31. Review status: criteria provided, single submitter. Criteria: Invitae Variant Classification Sherloc (09022015). Collection method: clinical testing. Allele origin: germline.
Comment: This sequence change replaces isoleucine, which is neutral and non-polar, with valine, which is neutral and non-polar, at codon 322 of the ACOX2 protein (p.Ile322Val). This variant is present in population databases (rs776048382, gnomAD 0.007%). This variant has not been reported in the literature in individuals affected with ACOX2-related conditions. ClinVar contains an entry for this variant (Variation ID: 1491673). Invitae Evidence Modeling of protein sequence and biophysical properties (such as structural, functional, and spatial information, amino acid conservation, physicochemical variation, residue mobility, and thermodynamic stability) indicates that this missense variant is not expected to disrupt ACOX2 protein function with a negative predictive value of 80%. In summary, the available evidence is currently insufficient to determine the role of this variant in disease. Therefore, it has been classified as a Variant of Uncertain Significance.

NM_003500.4(ACOX2):c.964A>G (p.Ile322Val)

Gene: ACOX2 (acyl-CoA oxidase 2; minus strand). Cytogenetic location: 3p14.3.
Variant type: single nucleotide variant.
Coding change: c.964A>G on transcript NM_003500.4 (MANE Select); coding-DNA position 964, A replaced by G.
Protein change: p.Ile322Val; replaces isoleucine 322 with valine.
Molecular consequence: missense variant.
Genome position (GRCh38, 1-based): chr3:58,530,494, T>C on the plus strand (A>G on the coding strand, the complement: ACOX2 is on the minus strand). VCF-style: chr3-58530494-T-C. GRCh37 (hg19) VCF-style: chr3-58516221-T-C.
Other names: c.964A>G (NM_003500.3); short protein forms I322V.
Identifiers: ClinVar variation 1491673 (VCV001491673.7), dbSNP rs776048382, ClinGen allele CA2472219.